The following is an entry in ClinVar:

NM_002693.3(POLG):c.2944G>T (p.Ala982Ser)

Gene: POLG (DNA polymerase gamma, catalytic subunit; minus strand). Cytogenetic location: 15q26.1.
Variant type: single nucleotide variant.
Coding change: c.2944G>T on transcript NM_002693.3 (MANE Select); coding-DNA position 2944, G replaced by T.
Protein change: p.Ala982Ser; replaces alanine 982 with serine.
Molecular consequence: missense variant.
Genome position (GRCh38, 1-based): chr15:89,320,803, C>A on the plus strand (G>T on the coding strand, the complement: POLG is on the minus strand). VCF-style: chr15-89320803-C-A. GRCh37 (hg19) VCF-style: chr15-89864034-C-A.
Other names: c.2944G>T, p.Ala982Ser (NM_001126131.2); short protein forms A982S.
Identifiers: ClinVar variation 1945578 (VCV001945578.5), dbSNP rs780775849, ClinGen allele CA7724319.

ClinVar aggregate classification (germline): Uncertain significance. Review status: criteria provided, multiple submitters, no conflicts (2 of 4 stars). 2 submissions from 2 submitters: Uncertain significance (2). Last evaluated 2025-09-28.

Conditions:
Inborn genetic diseases. Identifiers: MedGen C0950123, MeSH D030342.
Progressive sclerosing poliodystrophy (MTDPS4A). Also called: Mitochondrial DNA Depletion Syndrome 4A; ALPERS PROGRESSIVE INFANTILE POLIODYSTROPHY; NEURONAL DEGENERATION OF CHILDHOOD WITH LIVER DISEASE, PROGRESSIVE; Mitochondrial DNA depletion syndrome 4A (Alpers type); Alpers-Huttenlocher Syndrome (AHS); Alpers Syndrome. Identifiers: Orphanet 726, MedGen C0205710, MONDO:0008758, OMIM 203700.

Allele frequency attached by ClinVar (database versions not stated): TOPMed below 0.00001; ExAC 0.00001.

Submissions (2):

Ambry Genetics
Classification: Uncertain significance for Inborn genetic diseases. Last evaluated: 2025-09-28. Review status: criteria provided, single submitter. Criteria: Ambry Variant Classification Scheme 2023. Collection method: clinical testing. Allele origin: germline.
Comment: The c.2944G>T (p.A982S) alteration is located in exon 18 (coding exon 17) of the POLG gene. This alteration results from a G to T substitution at nucleotide position 2944, causing the alanine (A) at amino acid position 982 to be replaced by a serine (S). Based on data from gnomAD, the T allele has an overall frequency of 0.001% (2/250908) total alleles studied. The highest observed frequency was 0.002% (2/113512) of European (non-Finnish) alleles. Based on insufficient or conflicting evidence, the clinical significance of this alteration remains unclear.

Labcorp Genetics (formerly Invitae), Labcorp
Classification: Uncertain significance for Progressive sclerosing poliodystrophy. Last evaluated: 2024-08-05. Review status: criteria provided, single submitter. Criteria: Invitae Variant Classification Sherloc (09022015). Collection method: clinical testing. Allele origin: germline.
Comment: This sequence change replaces alanine, which is neutral and non-polar, with serine, which is neutral and polar, at codon 982 of the POLG protein (p.Ala982Ser). This variant is present in population databases (rs780775849, gnomAD 0.002%). This variant has not been reported in the literature in individuals affected with POLG-related conditions. ClinVar contains an entry for this variant (Variation ID: 1945578). Advanced modeling of protein sequence and biophysical properties (such as structural, functional, and spatial information, amino acid conservation, physicochemical variation, residue mobility, and thermodynamic stability) performed at Invitae indicates that this missense variant is expected to disrupt POLG protein function with a positive predictive value of 95%. In summary, the available evidence is currently insufficient to determine the role of this variant in disease. Therefore, it has been classified as a Variant of Uncertain Significance.